The following is an entry in ClinVar:

NM_000057.4(BLM):c.3000A>T (p.Arg1000Ser)

Gene: BLM (BLM RecQ like helicase; plus strand). Cytogenetic location: 15q26.1.
Variant type: single nucleotide variant.
Coding change: c.3000A>T on transcript NM_000057.4 (MANE Select); coding-DNA position 3000, A replaced by T.
Protein change: p.Arg1000Ser; replaces arginine 1000 with serine.
Molecular consequence: missense variant.
Genome position (GRCh38, 1-based): chr15:90,790,825, A>T. VCF-style: chr15-90790825-A-T. GRCh37 (hg19) VCF-style: chr15-91334055-A-T.
Other names: c.3000A>T, p.Arg1000Ser (NM_001287246.2, NM_001287247.2); c.1875A>T, p.Arg625Ser (NM_001287248.2); c.3000A>T (NM_000057.2); short protein forms R1000S, R625S.
Identifiers: ClinVar variation 568156 (VCV000568156.14), dbSNP rs1395403568, ClinGen allele CA393846590.
Genomic context (GRCh38, chr15:90,790,825, plus strand): 5'-TGGAAGAGATGGGGAAATATCTCACTGCCTGCTTTTCTATACCTATCATGATGTGACCAG[A>T]CTGAAAAGACTTATAATGAGTAAGCTGGGCTCCATTGTAGAGACATTCTGTCATCTTCAG-3'
Protein context (NP_000048.1, residues 990-1010): LLFYTYHDVT[Arg1000Ser]LKRLIMMEKD

ClinVar aggregate classification (germline): Uncertain significance. Review status: criteria provided, multiple submitters, no conflicts (2 of 4 stars). 3 submissions from 3 submitters: Uncertain significance (2). 1 of the submissions does not count toward it. Last evaluated 2025-01-21.

Conditions:
Hereditary cancer-predisposing syndrome. Also called: Neoplastic Syndromes, Hereditary; Tumor predisposition; Hereditary neoplastic syndrome; Hereditary Cancer Syndrome. Identifiers: Orphanet 140162, MedGen C0027672, MeSH D009386, MONDO:0015356.
Bloom syndrome (BLM). Also called: Bloom-Torre-Machacek syndrome. Identifiers: Orphanet 125, MedGen C0005859, MONDO:0008876, OMIM 210900.

Allele frequency attached by ClinVar (database versions not stated): gnomAD exomes below 0.00001.
gnomAD v4.1: 1 of 1,613,992 alleles (0.000062%); highest among the groups gnomAD compares: Non-Finnish European, 0.000085%; no homozygotes.

Submissions (3):

Labcorp Genetics (formerly Invitae), Labcorp
Classification: Uncertain significance for Bloom syndrome. Last evaluated: 2025-01-21. Review status: criteria provided, single submitter. Criteria: Invitae Variant Classification Sherloc (09022015). Collection method: clinical testing. Allele origin: germline.
Comment: This sequence change replaces arginine, which is basic and polar, with serine, which is neutral and polar, at codon 1000 of the BLM protein (p.Arg1000Ser). This variant is present in population databases (no rsID available, gnomAD 0.0009%). This variant has not been reported in the literature in individuals affected with BLM-related conditions. ClinVar contains an entry for this variant (Variation ID: 568156). Invitae Evidence Modeling of protein sequence and biophysical properties (such as structural, functional, and spatial information, amino acid conservation, physicochemical variation, residue mobility, and thermodynamic stability) indicates that this missense variant is expected to disrupt BLM protein function with a positive predictive value of 80%. In summary, the available evidence is currently insufficient to determine the role of this variant in disease. Therefore, it has been classified as a Variant of Uncertain Significance.

Ambry Genetics
Classification: Uncertain significance for Hereditary cancer-predisposing syndrome. Last evaluated: 2024-04-29. Review status: criteria provided, single submitter. Criteria: Ambry Variant Classification Scheme 2023. Collection method: clinical testing. Allele origin: germline.
Comment: The p.R1000S variant (also known as c.3000A>T), located in coding exon 14 of the BLM gene, results from an A to T substitution at nucleotide position 3000. The arginine at codon 1000 is replaced by serine, an amino acid with dissimilar properties. This amino acid position is highly conserved in available vertebrate species. In addition, this alteration is predicted to be deleterious by in silico analysis. Since supporting evidence is limited at this time, the clinical significance of this alteration remains unclear.

Natera, Inc.
Classification: Uncertain significance for Bloom syndrome. Last evaluated: 2020-07-08. Review status: no assertion criteria provided. Collection method: clinical testing. Allele origin: germline. Not counted in ClinVar's aggregate classification.